The following is an entry in ClinVar:

ClinVar aggregate classification (germline): Uncertain significance (1 of 4 stars; one submission).

Conditions:
COG5-congenital disorder of glycosylation. Also called: CONGENITAL DISORDER OF GLYCOSYLATION, TYPE IIi; COG5-CDG; CDG IIi. Identifiers: Orphanet 263487, MedGen C3150876, MONDO:0013325, OMIM 613612.

Allele frequency attached by ClinVar (database versions not stated): ExAC 0.00001; gnomAD exomes 0.00001.
gnomAD v4.1: 10 of 1,613,742 alleles (0.00062%); highest among the groups gnomAD compares: Middle Eastern, 0.033%; no homozygotes.

Submission:

Labcorp Genetics (formerly Invitae), Labcorp
Classification: Uncertain significance for COG5-congenital disorder of glycosylation. Last evaluated: 2022-11-01. Review status: criteria provided, single submitter. Criteria: Invitae Variant Classification Sherloc (09022015). Collection method: clinical testing. Allele origin: germline.
Comment: This sequence change replaces serine, which is neutral and polar, with cysteine, which is neutral and slightly polar, at codon 293 of the COG5 protein (p.Ser293Cys). In summary, the available evidence is currently insufficient to determine the role of this variant in disease. Therefore, it has been classified as a Variant of Uncertain Significance. Algorithms developed to predict the effect of missense changes on protein structure and function are either unavailable or do not agree on the potential impact of this missense change (SIFT: "Deleterious"; PolyPhen-2: "Benign"; Align-GVGD: "Class C0"). ClinVar contains an entry for this variant (Variation ID: 1427226). This variant has not been reported in the literature in individuals affected with COG5-related conditions. This variant is present in population databases (rs770563311, gnomAD 0.002%).

NM_006348.5(COG5):c.784A>T (p.Ser262Cys)

Gene: COG5 (component of oligomeric golgi complex 5; minus strand). Cytogenetic location: 7q22.3.
Variant type: single nucleotide variant.
Coding change: c.784A>T on transcript NM_006348.5 (MANE Select); coding-DNA position 784, A replaced by T.
Protein change: p.Ser262Cys; replaces serine 262 with cysteine.
Molecular consequence: missense variant. On other transcripts: intron variant (2).
Genome position (GRCh38, 1-based): chr7:107,372,646, T>A on the plus strand (A>T on the coding strand, the complement: COG5 is on the minus strand). VCF-style: chr7-107372646-T-A. GRCh37 (hg19) VCF-style: chr7-107013091-T-A.
Other names: c.784A>T, p.Ser262Cys (NM_001161520.2, NM_001379511.1, NM_001379512.1 and 3 more transcripts); c.235-10536A>T (NM_001379516.1); c.539-74300A>T (NM_001379515.1); short protein forms S262C.
Identifiers: ClinVar variation 1427226 (VCV001427226.6), dbSNP rs770563311, ClinGen allele CA4431110.